The following is an entry in ClinVar:

NM_001352514.2(HLCS):c.1264G>A (p.Ala422Thr)

Gene: HLCS (holocarboxylase synthetase; minus strand). Cytogenetic location: 21q22.13.
Variant type: single nucleotide variant.
Coding change: c.1264G>A on transcript NM_001352514.2 (MANE Select); coding-DNA position 1264, G replaced by A.
Protein change: p.Ala422Thr; replaces alanine 422 with threonine.
Molecular consequence: missense variant. On other transcripts: non-coding transcript variant (2).
Genome position (GRCh38, 1-based): chr21:36,936,622, C>T on the plus strand (G>A on the coding strand, the complement: HLCS is on the minus strand). VCF-style: chr21-36936622-C-T. GRCh37 (hg19) VCF-style: chr21-38308922-C-T.
Other names: c.823G>A, p.Ala275Thr (NM_000411.8, NM_001242784.3, NM_001242785.2 and 4 more transcripts); short protein forms A422T, A275T.
Identifiers: ClinVar variation 2112584 (VCV002112584.4), dbSNP rs2517576412, ClinGen allele CA409912227.
Genomic context (GRCh38, chr21:36,936,622, plus strand): 5'-GGCCTTCCTGGTACCTGCAGCCACTGCTCAAGACGCTGAGCTTCACCTCGCTCTGGTCAG[C>T]CTTGGAGAAAACCAAGTTCTGGACTGTCTTGTGCAGTGCACCCTTGCTTGTCACCTGAAA-3'
Protein context (NP_001339443.1, residues 412-432): KTVQNLVFSK[Ala422Thr]DQSEVKLSVL

ClinVar aggregate classification (germline): Uncertain significance (1 of 4 stars; one submission).

Conditions:
Holocarboxylase synthetase deficiency. Also called: MULTIPLE CARBOXYLASE DEFICIENCY, EARLY ONSET. Identifiers: Orphanet 79242, MedGen C0268581, MONDO:0009666, OMIM 253270.

Allele frequency attached by ClinVar (database versions not stated): gnomAD exomes below 0.00001.
gnomAD v4.1: 1 of 1,614,212 alleles (0.000062%); highest among the groups gnomAD compares: Admixed American, 0.0017%; no homozygotes.

Submission:

Labcorp Genetics (formerly Invitae), Labcorp
Classification: Uncertain significance for Holocarboxylase synthetase deficiency. Last evaluated: 2022-08-16. Review status: criteria provided, single submitter. Criteria: Invitae Variant Classification Sherloc (09022015). Collection method: clinical testing. Allele origin: germline.
Comment: In summary, the available evidence is currently insufficient to determine the role of this variant in disease. Therefore, it has been classified as a Variant of Uncertain Significance. Advanced modeling of protein sequence and biophysical properties (such as structural, functional, and spatial information, amino acid conservation, physicochemical variation, residue mobility, and thermodynamic stability) performed at Invitae indicates that this missense variant is not expected to disrupt HLCS protein function. This variant has not been reported in the literature in individuals affected with HLCS-related conditions. This variant is not present in population databases (gnomAD no frequency). This sequence change replaces alanine, which is neutral and non-polar, with threonine, which is neutral and polar, at codon 275 of the HLCS protein (p.Ala275Thr).